The following is an entry in ClinVar:

ClinVar aggregate classification (germline): Likely pathogenic (1 of 4 stars; one submission).

Conditions:
Neurodevelopmental-craniofacial syndrome with variable renal and cardiac abnormalities. Identifiers: MedGen C5561984, MONDO:0859190, OMIM 619522.

Submission:

Laboratorio de Genetica e Diagnostico Molecular, Hospital Israelita Albert Einstein
Classification: Likely pathogenic for Neurodevelopmental-craniofacial syndrome with variable renal and cardiac abnormalities. Last evaluated: 2022-06-06. Review status: criteria provided, single submitter. Criteria: ACMG Guidelines, 2015. Collection method: clinical testing. Allele origin: germline. Affected: yes.
Comment: ACMG classification criteria: PVS1 very strong, PM2 moderated

NM_197968.4(ZMYM2):c.2003C>G (p.Ser668Ter)

Gene: ZMYM2 (zinc finger MYM-type containing 2; plus strand). Cytogenetic location: 13q12.11.
Variant type: single nucleotide variant.
Coding change: c.2003C>G on transcript NM_197968.4 (MANE Select); coding-DNA position 2003, C replaced by G.
Protein change: p.Ser668Ter; replaces serine 668 with a stop codon.
Molecular consequence: nonsense. On other transcripts: non-coding transcript variant (1).
Genome position (GRCh38, 1-based): chr13:20,034,288, C>G. VCF-style: chr13-20034288-C-G. GRCh37 (hg19) VCF-style: chr13-20608428-C-G.
Other names: c.2003C>G, p.Ser668Ter (NM_001190964.4, NM_001190965.4, NM_001353157.2 and 5 more transcripts); c.1808C>G, p.Ser603Ter (NM_001353161.3); c.1742C>G, p.Ser581Ter (NM_001353163.2); short protein forms S581*, S603*, S668*.
Identifiers: ClinVar variation 2431769 (VCV002431769.2), dbSNP rs1953476601, ClinGen allele CA387456574.